The following is an entry in ClinVar:

ClinVar aggregate classification (germline): Uncertain significance. Review status: criteria provided, multiple submitters, no conflicts (2 of 4 stars). 2 submissions from 2 submitters: Uncertain significance (2). Last evaluated 2023-10-18.

Conditions:
Neutrophil immunodeficiency syndrome. Also called: Immunodeficiency 73A with defective neutrophil chemotaxis and leukocytosis. Identifiers: Orphanet 183707, MedGen C1842398, MONDO:0011988, OMIM 608203.

Submissions (2):

Labcorp Genetics (formerly Invitae), Labcorp
Classification: Uncertain significance for Neutrophil immunodeficiency syndrome. Last evaluated: 2023-10-18. Review status: criteria provided, single submitter. Criteria: Invitae Variant Classification Sherloc (09022015). Collection method: clinical testing. Allele origin: germline.
Comment: This sequence change replaces arginine, which is basic and polar, with histidine, which is basic and polar, at codon 66 of the RAC2 protein (p.Arg66His). This variant is not present in population databases (gnomAD no frequency). This variant has not been reported in the literature in individuals affected with RAC2-related conditions. Advanced modeling of protein sequence and biophysical properties (such as structural, functional, and spatial information, amino acid conservation, physicochemical variation, residue mobility, and thermodynamic stability) performed at Invitae indicates that this missense variant is expected to disrupt RAC2 protein function. In summary, the available evidence is currently insufficient to determine the role of this variant in disease. Therefore, it has been classified as a Variant of Uncertain Significance.

Blueprint Genetics
Classification: Uncertain significance. Last evaluated: 2022-04-13. Review status: criteria provided, single submitter. Criteria: ACMG Guidelines, 2015. Collection method: clinical testing. Allele origin: germline.

NM_002872.5(RAC2):c.197G>A (p.Arg66His)

Gene: RAC2 (Rac family small GTPase 2; minus strand). Cytogenetic location: 22q13.1.
Variant type: single nucleotide variant.
Coding change: c.197G>A on transcript NM_002872.5 (MANE Select); coding-DNA position 197, G replaced by A.
Protein change: p.Arg66His; replaces arginine 66 with histidine.
Molecular consequence: missense variant.
Genome position (GRCh38, 1-based): chr22:37,232,829, C>T on the plus strand (G>A on the coding strand, the complement: RAC2 is on the minus strand). VCF-style: chr22-37232829-C-T. GRCh37 (hg19) VCF-style: chr22-37628869-C-T.
Other names: short protein forms R66H.
Identifiers: ClinVar variation 2904520 (VCV002904520.4), dbSNP rs1927109665, ClinGen allele CA411443362.